The following is an entry in ClinVar:

NM_005956.4(MTHFD1):c.1784A>G (p.Lys595Arg)

Gene: MTHFD1 (methylenetetrahydrofolate dehydrogenase, cyclohydrolase and formyltetrahydrofolate synthetase 1; plus strand). Cytogenetic location: 14q23.3.
Variant type: single nucleotide variant.
Coding change: c.1784A>G on transcript NM_005956.4 (MANE Select); coding-DNA position 1784, A replaced by G.
Protein change: p.Lys595Arg; replaces lysine 595 with arginine.
Molecular consequence: missense variant.
Genome position (GRCh38, 1-based): chr14:64,440,235, A>G. VCF-style: chr14-64440235-A-G. GRCh37 (hg19) VCF-style: chr14-64906953-A-G.
Other names: c.1784A>G, p.Lys595Arg (NM_001364837.1); short protein forms K595R.
Identifiers: ClinVar variation 1950094 (VCV001950094.5), dbSNP rs1011053566, ClinGen allele CA261846453.

ClinVar aggregate classification (germline): Uncertain significance (1 of 4 stars; one submission).

Allele frequency attached by ClinVar (database versions not stated): TOPMed below 0.00001; gnomAD exomes 0.00001.

Submission:

Labcorp Genetics (formerly Invitae), Labcorp
Classification: Uncertain significance. Last evaluated: 2022-06-14. Review status: criteria provided, single submitter. Criteria: Invitae Variant Classification Sherloc (09022015). Collection method: clinical testing. Allele origin: germline.
Comment: Algorithms developed to predict the effect of missense changes on protein structure and function (SIFT, PolyPhen-2, Align-GVGD) all suggest that this variant is likely to be tolerated. In summary, the available evidence is currently insufficient to determine the role of this variant in disease. Therefore, it has been classified as a Variant of Uncertain Significance. This variant has not been reported in the literature in individuals affected with MTHFD1-related conditions. This variant is present in population databases (no rsID available, gnomAD 0.0009%). This sequence change replaces lysine, which is basic and polar, with arginine, which is basic and polar, at codon 595 of the MTHFD1 protein (p.Lys595Arg).